The following is an entry in ClinVar:

NM_173728.4(ARHGEF15):c.16C>T (p.Leu6Phe)

Gene: ARHGEF15 (Rho guanine nucleotide exchange factor 15; plus strand). Cytogenetic location: 17p13.1.
Variant type: single nucleotide variant.
Coding change: c.16C>T on transcript NM_173728.4 (MANE Select); coding-DNA position 16, C replaced by T.
Protein change: p.Leu6Phe; replaces leucine 6 with phenylalanine.
Molecular consequence: missense variant.
Genome position (GRCh38, 1-based): chr17:8,312,055, C>T. VCF-style: chr17-8312055-C-T. GRCh37 (hg19) VCF-style: chr17-8215373-C-T.
Other names: c.16C>T, p.Leu6Phe (NM_025014.2); short protein forms L6F.
Identifiers: ClinVar variation 2381846 (VCV002381846.5), dbSNP rs370353838, ClinGen allele CA8374758.
Genomic context (GRCh38, chr17:8,312,055, plus strand): 5'-TGACTCCAGCAGAGCACCTCACTCCTTTGAAGAGCACAGAGGAAGATGTCAGCCCAGTCC[C>T]TTCCTGCAGCAACACCCCCCACGCAGAAGCCCCCTCGGATCATCCGCCCCCGCCCTCCTT-3'
Protein context (NP_776089.2, residues 1-16): MSAQS[Leu6Phe]PAATPPTQKP

ClinVar aggregate classification (germline): Uncertain significance. Review status: criteria provided, multiple submitters, no conflicts (2 of 4 stars). 2 submissions from 2 submitters: Uncertain significance (2). Last evaluated 2025-03-18.

Conditions:
Early-infantile DEE. Also called: Early infantile epileptic encephalopathy with suppression bursts; Early infantile epileptic encephalopathy; Ohtahara syndrome. Identifiers: Orphanet 1934, MedGen C0393706, MONDO:0800491.

Allele frequency attached by ClinVar (database versions not stated): ExAC 0.00007; ESP Exome Variant Server 0.00008; gnomAD exomes 0.00014; TOPMed 0.00004; gnomAD 0.00004.
gnomAD v4.1: 201 of 1,593,786 alleles (0.013%); highest among the groups gnomAD compares: Middle Eastern, 0.034%; no homozygotes.

Submissions (2):

Labcorp Genetics (formerly Invitae), Labcorp
Classification: Uncertain significance for Early-infantile DEE. Last evaluated: 2025-03-18. Review status: criteria provided, single submitter. Criteria: Invitae Variant Classification Sherloc (09022015). Collection method: clinical testing. Allele origin: germline.
Comment: This sequence change replaces leucine, which is neutral and non-polar, with phenylalanine, which is neutral and non-polar, at codon 6 of the ARHGEF15 protein (p.Leu6Phe). This variant is present in population databases (rs370353838, gnomAD 0.01%). This variant has not been reported in the literature in individuals affected with ARHGEF15-related conditions. ClinVar contains an entry for this variant (Variation ID: 2381846). An algorithm developed to predict the effect of missense changes on protein structure and function (PolyPhen-2) suggests that this variant is likely to be disruptive. In summary, the available evidence is currently insufficient to determine the role of this variant in disease. Therefore, it has been classified as a Variant of Uncertain Significance.

Ambry Genetics
Classification: Uncertain significance. Last evaluated: 2025-02-05. Review status: criteria provided, single submitter. Criteria: Ambry Variant Classification Scheme 2023. Collection method: clinical testing. Allele origin: germline.